The following is an entry in ClinVar:

NM_000660.7(TGFB1):c.829C>T (p.Arg277Cys)

Gene: TGFB1 (transforming growth factor beta 1; minus strand). Cytogenetic location: 19q13.2.
Variant type: single nucleotide variant.
Coding change: c.829C>T on transcript NM_000660.7 (MANE Select); coding-DNA position 829, C replaced by T.
Protein change: p.Arg277Cys; replaces arginine 277 with cysteine.
Molecular consequence: missense variant.
Genome position (GRCh38, 1-based): chr19:41,341,914, G>A on the plus strand (C>T on the coding strand, the complement: TGFB1 is on the minus strand). VCF-style: chr19-41341914-G-A. GRCh37 (hg19) VCF-style: chr19-41847819-G-A.
Other names: c.829C>T (NM_000660.4); short protein forms R277C.
Identifiers: ClinVar variation 2114206 (VCV002114206.5), dbSNP rs1274564517, ClinGen allele CA405999304.
Genomic context (GRCh38, chr19:41,341,914, plus strand): 5'-AAGGCCTCCATCCAGGCTACAAGGCTCACCTGAAGCAATAGTTGGTGTCCAGGGCTCGGC[G>A]GTGCCGGGAGCTTTGCAGATGCTGGGCCCTCTCCAGCGGGGTGGCCATGAGAAGCAGGAA-3'
Protein context (NP_000651.3, residues 267-287): RAQHLQSSRH[Arg277Cys]RALDTNYCFS

ClinVar aggregate classification (germline): Uncertain significance. Review status: criteria provided, multiple submitters, no conflicts (2 of 4 stars). 2 submissions from 2 submitters: Uncertain significance (2). Last evaluated 2023-04-06.

Allele frequency attached by ClinVar (database versions not stated): gnomAD exomes below 0.00001.

Submissions (2):

GeneDx
Classification: Uncertain significance. Last evaluated: 2023-04-06. Review status: criteria provided, single submitter. Criteria: GeneDx Variant Classification Process June 2021. Collection method: clinical testing. Allele origin: germline. Affected: yes.
Comment: Not observed at significant frequency in large population cohorts (gnomAD); In silico analysis supports that this missense variant has a deleterious effect on protein structure/function; Has not been previously published as pathogenic or benign to our knowledge

Labcorp Genetics (formerly Invitae), Labcorp
Classification: Uncertain significance. Last evaluated: 2022-03-19. Review status: criteria provided, single submitter. Criteria: Invitae Variant Classification Sherloc (09022015). Collection method: clinical testing. Allele origin: germline.
Comment: This sequence change replaces arginine, which is basic and polar, with cysteine, which is neutral and slightly polar, at codon 277 of the TGFB1 protein (p.Arg277Cys). This variant is not present in population databases (gnomAD no frequency). In summary, the available evidence is currently insufficient to determine the role of this variant in disease. Therefore, it has been classified as a Variant of Uncertain Significance. Algorithms developed to predict the effect of missense changes on protein structure and function (SIFT, PolyPhen-2, Align-GVGD) all suggest that this variant is likely to be disruptive. This variant has not been reported in the literature in individuals affected with TGFB1-related conditions.